The following is an entry in ClinVar:

ClinVar aggregate classification (somatic clinical impact): Tier II - Potential (1 of 4 stars; one submission).

Conditions:
Adamantinous craniopharyngioma. Identifiers: MedGen C0431129, MONDO:0002787.

Submission:

Institute for Genomic Medicine (IGM) Clinical Laboratory, Nationwide Children's Hospital
Classification: Tier II - Potential for Adamantinous craniopharyngioma. Assertion type: diagnostic. Clinical significance: supports diagnosis. Last evaluated: 2025-05-09. Review status: criteria provided, single submitter. Criteria: AMP/ASCO/CAP Guidelines, 2017. Collection method: clinical testing. Allele origin: somatic. Affected: yes.
Comment: Variant has Tier II (potential) clinical significance as a diagnostic inclusion criterion in adamantinous craniopharyngioma, based on the following evidence: 1) Diagnostic significance based on multiple small studies (Evidence Level C; PMID: 38421446).

Literature cited by the submitters: PubMed 38421446.

NM_004380.3(CREBBP):c.5296del (p.Glu1766fs)

Gene: CREBBP (CREB binding lysine acetyltransferase; minus strand). Cytogenetic location: 16p13.3.
Variant type: Deletion.
Coding change: c.5296del on transcript NM_004380.3 (MANE Select); coding-DNA position 5296, one base deleted (G; older notation c.5296delG).
Protein change: p.Glu1766fs; shifts the reading frame from glutamic acid 1766.
Molecular consequence: frameshift variant.
Genome position (GRCh38, 1-based): chr16:3,729,751, C deleted on the plus strand (G on the coding strand, the reverse complement: CREBBP is on the minus strand); the first of 2 consecutive C bases (chr16:3,729,751-3,729,752); deleting either gives the same sequence. VCF-style (leftmost placement, unchanged base first): chr16-3729750-TC-T. GRCh37 (hg19) VCF-style: chr16-3779751-TC-T.
Other names: c.5182del, p.Glu1728fs (NM_001079846.1); short protein forms E1728fs, E1766fs.
Identifiers: ClinVar variation 4530117 (VCV004530117.1).
Genomic context (GRCh38, chr16:3,729,750, plus strand): 5'-CGGCACTGGCACGCGTGCACCAGCGACTGGATGCAGCGCTGGATGCTCAGCCGGCGTGAC[TC>T]CTGGGGGCTCTTTGACTGTGGCTCGCCCTGGCTGCTGCCCTCGTCATCCAGGCCCAGCCC-3'